The following is an entry in ClinVar:

ClinVar aggregate classification (germline): Likely benign. Review status: criteria provided, multiple submitters, no conflicts (2 of 4 stars). 2 submissions from 2 submitters: Likely benign (2). Last evaluated 2026-06-04.

Conditions:
COL2A1-related disorder. Also called: COL2A1-related condition; COL2A1-related disorders.

gnomAD v4.1: 3 of 1,613,164 alleles (0.00019%); highest among the groups gnomAD compares: Admixed American, 0.0033%; no homozygotes.

Submissions (2):

PreventionGenetics, part of Exact Sciences
Classification: Likely benign for COL2A1-related condition. Last evaluated: 2026-06-04. Review status: criteria provided, single submitter. Criteria: ACMG Guidelines, 2015. Collection method: clinical testing. Allele origin: germline.
Comment: This variant is classified as likely benign based on ACMG/AMP sequence variant interpretation guidelines (Richards et al. 2015 PMID: 25741868, with internal and published modifications).

Labcorp Genetics (formerly Invitae), Labcorp
Classification: Likely benign. Last evaluated: 2025-02-06. Review status: criteria provided, single submitter. Criteria: Invitae Variant Classification Sherloc (09022015). Collection method: clinical testing. Allele origin: germline.

NM_001844.5(COL2A1):c.1029C>G (p.Ala343=)

Gene: COL2A1 (collagen type II alpha 1 chain; minus strand). Cytogenetic location: 12q13.11.
Variant type: single nucleotide variant.
Coding change: c.1029C>G on transcript NM_001844.5 (MANE Select); coding-DNA position 1029, C replaced by G.
Protein change: p.Ala343=; no amino-acid change (alanine 343 retained).
Molecular consequence: synonymous variant.
Genome position (GRCh38, 1-based): chr12:47,989,800, G>C on the plus strand (C>G on the coding strand, the complement: COL2A1 is on the minus strand). VCF-style: chr12-47989800-G-C. GRCh37 (hg19) VCF-style: chr12-48383583-G-C.
Other names: c.822C>G, p.Ala274= (NM_033150.3); c.1029C>G (NM_001844.4).
Identifiers: ClinVar variation 2089928 (VCV002089928.5), dbSNP rs376545187, ClinGen allele CA479477194.
Genomic context (GRCh38, chr12:47,989,800, plus strand): 5'-CTGAGGATGAAATGAACTTACCGGAGGCCCTGCGGGGCCTGGCTGACCATCGTTGCCTCG[G>C]GCACCCTGTGAGCAAGAAGGAAGTGACCATGAGAGGTGCCCACAGGCCCTGTCCGTCCCT-3'
Protein context (NP_001835.3, residues 333-353): GRTGPAGAAG[Ala343=]RGNDGQPGPA